The following is an entry in ClinVar:

NM_000152.5(GAA):c.2722G>A (p.Gly908Ser)

Gene: GAA (alpha glucosidase; plus strand). Cytogenetic location: 17q25.3.
Variant type: single nucleotide variant.
Coding change: c.2722G>A on transcript NM_000152.5 (MANE Select); coding-DNA position 2722, G replaced by A.
Protein change: p.Gly908Ser; replaces glycine 908 with serine.
Molecular consequence: missense variant.
Genome position (GRCh38, 1-based): chr17:80,118,728, G>A. VCF-style: chr17-80118728-G-A. GRCh37 (hg19) VCF-style: chr17-78092527-G-A.
Other names: c.2722G>A, p.Gly908Ser (NM_001079803.3, NM_001079804.3, NM_001406741.1 and 1 more transcripts); short protein forms G908S.
Identifiers: ClinVar variation 2108656 (VCV002108656.1), dbSNP rs2039415739, ClinGen allele CA401327000.

ClinVar aggregate classification (germline): Uncertain significance (1 of 4 stars; one submission).

Conditions:
Glycogen storage disease, type II (IOPD). Also called: Pompe Disease; Glucosidase acid-1,4-alpha deficiency; CARDIOMEGALIA GLYCOGENICA DIFFUSA; POMPE DISEASE, INFANTILE-ONSET; GLYCOGEN STORAGE DISEASE II, INFANTILE-ONSET; ACID ALPHA-GLUCOSIDASE DEFICIENCY, INFANTILE-ONSET. Identifiers: Orphanet 365, MedGen C0017921, MONDO:0009290, OMIM 232300.

Submission:

Labcorp Genetics (formerly Invitae), Labcorp
Classification: Uncertain significance for Glycogen storage disease, type II. Last evaluated: 2022-03-10. Review status: criteria provided, single submitter. Criteria: Invitae Variant Classification Sherloc (09022015). Collection method: clinical testing. Allele origin: germline.
Comment: This sequence change replaces glycine, which is neutral and non-polar, with serine, which is neutral and polar, at codon 908 of the GAA protein (p.Gly908Ser). This variant is not present in population databases (gnomAD no frequency). This variant has not been reported in the literature in individuals affected with GAA-related conditions. Advanced modeling of protein sequence and biophysical properties (such as structural, functional, and spatial information, amino acid conservation, physicochemical variation, residue mobility, and thermodynamic stability) performed at Invitae indicates that this missense variant is expected to disrupt GAA protein function. In summary, the available evidence is currently insufficient to determine the role of this variant in disease. Therefore, it has been classified as a Variant of Uncertain Significance.